The following is an entry in ClinVar:

ClinVar aggregate classification (germline): Uncertain significance. Review status: criteria provided, multiple submitters, no conflicts (2 of 4 stars). 2 submissions from 2 submitters: Uncertain significance (2). Last evaluated 2025-10-17.

Allele frequency attached by ClinVar (database versions not stated): ExAC 0.00001.

Submissions (2):

GeneDx
Classification: Uncertain significance. Last evaluated: 2025-10-17. Review status: criteria provided, single submitter. Criteria: GeneDx Variant Classification Process June 2021. Collection method: clinical testing. Allele origin: germline. Affected: yes.
Comment: Not observed at significant frequency in large population cohorts (gnomAD); In silico analysis supports that this missense variant has a deleterious effect on protein structure/function; Has not been previously published as pathogenic or benign to our knowledge; In silico analysis suggests this variant may impact gene splicing. In the absence of RNA/functional studies, the actual effect of this sequence change is unknown.

Labcorp Genetics (formerly Invitae), Labcorp
Classification: Uncertain significance. Last evaluated: 2022-07-16. Review status: criteria provided, single submitter. Criteria: Invitae Variant Classification Sherloc (09022015). Collection method: clinical testing. Allele origin: germline.
Comment: This sequence change replaces arginine, which is basic and polar, with cysteine, which is neutral and slightly polar, at codon 397 of the CLTC protein (p.Arg397Cys). This variant is not present in population databases (gnomAD no frequency). This variant has not been reported in the literature in individuals affected with CLTC-related conditions. Algorithms developed to predict the effect of missense changes on protein structure and function are either unavailable or do not agree on the potential impact of this missense change (SIFT: "Deleterious"; PolyPhen-2: "Not Available"; Align-GVGD: "Class C0"). Algorithms developed to predict the effect of sequence changes on RNA splicing suggest that this variant may create or strengthen a splice site. In summary, the available evidence is currently insufficient to determine the role of this variant in disease. Therefore, it has been classified as a Variant of Uncertain Significance.

NM_004859.4(CLTC):c.1177C>T (p.Arg393Cys)

Gene: CLTC (clathrin heavy chain; plus strand). Cytogenetic location: 17q23.1.
Variant type: single nucleotide variant.
Coding change: c.1177C>T on transcript NM_004859.4 (MANE Select); coding-DNA position 1177, C replaced by T.
Protein change: p.Arg393Cys; replaces arginine 393 with cysteine.
Molecular consequence: missense variant.
Genome position (GRCh38, 1-based): chr17:59,661,452, C>T. VCF-style: chr17-59661452-C-T. GRCh37 (hg19) VCF-style: chr17-57738813-C-T.
Other names: c.1189C>T (NM_001288653.1); c.1189C>T, p.Arg397Cys (NM_001288653.2); short protein forms R393C, R397C.
Identifiers: ClinVar variation 1716294 (VCV001716294.7), dbSNP rs765478805, ClinGen allele CA8681190.